The following is an entry in ClinVar:

NM_006885.4(ZFHX3):c.5280G>A (p.Leu1760=)

Genes: ZFHX3 (zinc finger homeobox 3; minus strand), ZFHX3-AS1 (ZFHX3 antisense RNA 1; plus strand). Cytogenetic location: 16q22.2.
Variant type: single nucleotide variant.
Coding change: c.5280G>A on transcript NM_006885.4 (MANE Select); coding-DNA position 5280, G replaced by A.
Protein change: p.Leu1760=; no amino-acid change (leucine 1760 retained).
Molecular consequence: synonymous variant.
Genome position (GRCh38, 1-based): chr16:72,797,402, C>T on the plus strand (G>A on the coding strand, the complement: ZFHX3 is on the minus strand). VCF-style: chr16-72797402-C-T. GRCh37 (hg19) VCF-style: chr16-72831301-C-T.
Other names: c.2538G>A, p.Leu846= (NM_001164766.2); c.5280G>A, p.Leu1760= (NM_001386735.1).
Identifiers: ClinVar variation 4820715 (VCV004820715.5).

ClinVar aggregate classification (germline): Likely benign. Review status: criteria provided, multiple submitters, no conflicts (2 of 4 stars). 2 submissions from 2 submitters: Likely benign (2). Last evaluated 2026-03-01.

gnomAD v4.1: 1,448 of 1,609,894 alleles (0.09%); highest among the groups gnomAD compares: Non-Finnish European, 0.12%; 2 homozygotes.

Submissions (2):

CeGaT Center for Human Genetics Tuebingen
Classification: Likely benign. Last evaluated: 2026-03-01. Review status: criteria provided, single submitter. Criteria: CeGaT Center For Human Genetics Tuebingen Variant Classification Criteria Version 2. Collection method: clinical testing. Allele origin: germline. Affected: yes. Observed: 3 variant alleles.
Comment: ZFHX3: BP4, BP7

Blueprint Genetics
Classification: Likely benign. Last evaluated: 2024-11-21. Review status: criteria provided, single submitter. Criteria: ACMG Guidelines, 2015. Collection method: clinical testing. Allele origin: germline.